The following is an entry in ClinVar:

NM_001384474.1(LOXHD1):c.2551_2552del (p.Ser851fs)

Gene: LOXHD1 (lipoxygenase homology PLAT domains 1; minus strand). Cytogenetic location: 18q21.1.
Variant type: Microsatellite.
Coding change: c.2551_2552del on transcript NM_001384474.1 (MANE Select); coding-DNA positions 2551 to 2552, 2 bases deleted (TC; older notation c.2551_2552delTC).
Protein change: p.Ser851fs; shifts the reading frame from serine 851.
Molecular consequence: frameshift variant.
Genome position (GRCh38, 1-based): chr18:46,563,111-46,563,112, GA deleted on the plus strand (TC on the coding strand, the reverse complement: LOXHD1 is on the minus strand); deleting any 2 consecutive bases within chr18:46,563,111-46,563,115 gives the same sequence; the c. name uses the placement nearest the transcript's 3' end. VCF-style (leftmost placement, unchanged base first): chr18-46563110-GGA-G. GRCh37 (hg19) VCF-style: chr18-44143073-GGA-G.
Other names: c.2551_2552del, p.Ser851fs (NM_144612.7); short protein forms S851fs.
Identifiers: ClinVar variation 2024277 (VCV002024277.4), dbSNP rs2511840217, ClinGen allele CA2580612991.

ClinVar aggregate classification (germline): Pathogenic (1 of 4 stars; one submission).

Submission:

Labcorp Genetics (formerly Invitae), Labcorp
Classification: Pathogenic. Last evaluated: 2022-08-16. Review status: criteria provided, single submitter. Criteria: Invitae Variant Classification Sherloc (09022015). Collection method: clinical testing. Allele origin: germline.
Comment: For these reasons, this variant has been classified as Pathogenic. This variant has not been reported in the literature in individuals affected with LOXHD1-related conditions. This variant is not present in population databases (gnomAD no frequency). This sequence change creates a premature translational stop signal (p.Ser851Glnfs*7) in the LOXHD1 gene. It is expected to result in an absent or disrupted protein product. Loss-of-function variants in LOXHD1 are known to be pathogenic (PMID: 19732867, 21465660, 25792669).

Literature cited by the submitters: PubMed 19732867; PubMed 21465660; PubMed 25792669.